The following is an entry in ClinVar:

ClinVar aggregate classification (germline): Uncertain significance (1 of 4 stars; one submission).

gnomAD v4.1: 3 of 1,614,080 alleles (0.00019%); highest among the groups gnomAD compares: Middle Eastern, 0.016%; no homozygotes.

Submission:

CeGaT Center for Human Genetics Tuebingen
Classification: Uncertain significance. Last evaluated: 2024-07-01. Review status: criteria provided, single submitter. Criteria: CeGaT Center For Human Genetics Tuebingen Variant Classification Criteria Version 2. Collection method: clinical testing. Allele origin: germline. Affected: yes. Observed: 1 variant allele.
Comment: COQ6: PM2

NM_182476.3(COQ6):c.769A>G (p.Ile257Val)

Genes: COQ6 (coenzyme Q6, monooxygenase; plus strand), ENTPD5 (ectonucleoside triphosphate diphosphohydrolase 5; minus strand). Cytogenetic location: 14q24.3.
Variant type: single nucleotide variant.
Coding change: c.769A>G on transcript NM_182476.3 (MANE Select); coding-DNA position 769, A replaced by G.
Protein change: p.Ile257Val; replaces isoleucine 257 with valine.
Molecular consequence: missense variant. On other transcripts: 3 prime UTR variant (3), intron variant (2).
Genome position (GRCh38, 1-based): chr14:73,959,210, A>G. VCF-style: chr14-73959210-A-G. GRCh37 (hg19) VCF-style: chr14-74425913-A-G.
Other names: c.604A>G, p.Ile202Val (NM_001425257.1); c.694A>G, p.Ile232Val (NM_001425258.1, NM_182480.3); c.544A>G, p.Ile182Val (NM_001425259.1, NM_001425260.1, NM_001425261.1); c.514A>G, p.Ile172Val (NM_001425262.1); c.442A>G, p.Ile148Val (NM_001425263.1); c.229A>G, p.Ile77Val (NM_001425264.1, NM_001425265.1); c.*320T>C (NM_001330189.2, NM_001382259.1, NM_001382260.1); c.1201-3623T>C (NM_001382258.1); and 2 more; short protein forms I148V, I172V, I182V, I202V, I232V, I257V, I77V.
Identifiers: ClinVar variation 3341972 (VCV003341972.15).
Genomic context (GRCh38, chr14:73,959,210, plus strand): 5'-TCTCTGTTGCAGGCCACAGAAAACAACGTAGCCTGGCAGAGATTTCTTCCCTCTGGGCCT[A>G]TTGCTCTGCTCCCGGTAAGAGGTCCTTCTGACCAGTCCGCCCACATGCATGCAAGCCTTT-3'
Protein context (NP_872282.1, residues 247-267): AWQRFLPSGP[Ile257Val]ALLPLSDTLS